The following is an entry in ClinVar:

ClinVar aggregate classification (germline): Uncertain significance (1 of 4 stars; one submission).

Conditions:
Werner syndrome (WRN). Identifiers: Orphanet 902, MedGen C0043119, MONDO:0010196, OMIM 277700.

Submission:

Labcorp Genetics (formerly Invitae), Labcorp
Classification: Uncertain significance for Werner syndrome. Last evaluated: 2024-05-06. Review status: criteria provided, single submitter. Criteria: Invitae Variant Classification Sherloc (09022015). Collection method: clinical testing. Allele origin: germline.
Comment: This sequence change replaces aspartic acid, which is acidic and polar, with valine, which is neutral and non-polar, at codon 460 of the WRN protein (p.Asp460Val). This variant is not present in population databases (gnomAD no frequency). This variant has not been reported in the literature in individuals affected with WRN-related conditions. ClinVar contains an entry for this variant (Variation ID: 1468059). An algorithm developed to predict the effect of missense changes on protein structure and function (PolyPhen-2) suggests that this variant is likely to be disruptive. In summary, the available evidence is currently insufficient to determine the role of this variant in disease. Therefore, it has been classified as a Variant of Uncertain Significance.

NM_000553.6(WRN):c.1379A>T (p.Asp460Val)

Gene: WRN (WRN RecQ like helicase; plus strand). Cytogenetic location: 8p12.
Variant type: single nucleotide variant.
Coding change: c.1379A>T on transcript NM_000553.6 (MANE Select); coding-DNA position 1379, A replaced by T.
Protein change: p.Asp460Val; replaces aspartic acid 460 with valine.
Molecular consequence: missense variant.
Genome position (GRCh38, 1-based): chr8:31,085,194, A>T. VCF-style: chr8-31085194-A-T. GRCh37 (hg19) VCF-style: chr8-30942710-A-T.
Other names: short protein forms D460V.
Identifiers: ClinVar variation 1468059 (VCV001468059.6), dbSNP rs1315461183, ClinGen allele CA370923748.
Genomic context (GRCh38, chr8:31,085,194, plus strand): 5'-TGGAAATTAATGCTTAATACTTTTTTTTAAAGCATTTATCTCCCAATGATAATGAAAACG[A>T]TACGTCCTATGTAATTGAGAGTGATGAAGATTTAGAAATGGAGATGCTTAAGGTATGTTT-3'
Protein context (NP_000544.2, residues 450-470): KHLSPNDNEN[Asp460Val]TSYVIESDED